The following is an entry in ClinVar:

ClinVar aggregate classification (germline): Uncertain significance (1 of 4 stars; one submission).

Allele frequency attached by ClinVar (database versions not stated): ExAC 0.00001; TOPMed 0.00003.
gnomAD v4.1: 15 of 1,609,958 alleles (0.00093%); highest among the groups gnomAD compares: Admixed American, 0.0034%; no homozygotes.

Submission:

Labcorp Genetics (formerly Invitae), Labcorp
Classification: Uncertain significance. Last evaluated: 2025-12-19. Review status: criteria provided, single submitter. Criteria: Invitae Variant Classification Sherloc (09022015). Collection method: clinical testing. Allele origin: germline.
Comment: This sequence change replaces arginine, which is basic and polar, with cysteine, which is neutral and slightly polar, at codon 1191 of the DCHS1 protein (p.Arg1191Cys). This variant is present in population databases (rs763334381, gnomAD 0.01%). This variant has not been reported in the literature in individuals affected with DCHS1-related conditions. ClinVar contains an entry for this variant (Variation ID: 2960451). Invitae Evidence Modeling of protein sequence and biophysical properties (such as structural, functional, and spatial information, amino acid conservation, physicochemical variation, residue mobility, and thermodynamic stability) indicates that this missense variant is expected to disrupt DCHS1 protein function with a positive predictive value of 80%. In summary, the available evidence is currently insufficient to determine the role of this variant in disease. Therefore, it has been classified as a Variant of Uncertain Significance.

NM_003737.4(DCHS1):c.3571C>T (p.Arg1191Cys)

Gene: DCHS1 (dachsous cadherin-related 1; minus strand). Cytogenetic location: 11p15.4.
Variant type: single nucleotide variant.
Coding change: c.3571C>T on transcript NM_003737.4 (MANE Select); coding-DNA position 3571, C replaced by T.
Protein change: p.Arg1191Cys; replaces arginine 1191 with cysteine.
Molecular consequence: missense variant.
Genome position (GRCh38, 1-based): chr11:6,631,720, G>A on the plus strand (C>T on the coding strand, the complement: DCHS1 is on the minus strand). VCF-style: chr11-6631720-G-A. GRCh37 (hg19) VCF-style: chr11-6652951-G-A.
Other names: short protein forms R1191C.
Identifiers: ClinVar variation 2960451 (VCV002960451.3), dbSNP rs763334381, ClinGen allele CA5860495.